The following is an entry in ClinVar:

ClinVar aggregate classification (germline): Uncertain significance. Review status: criteria provided, multiple submitters, no conflicts (2 of 4 stars). 2 submissions from 2 submitters: Uncertain significance (2). Last evaluated 2024-10-26.

Conditions:
Inborn genetic diseases. Identifiers: MedGen C0950123, MeSH D030342.

Allele frequency attached by ClinVar (database versions not stated): TOPMed 0.00002.

Submissions (2):

Labcorp Genetics (formerly Invitae), Labcorp
Classification: Uncertain significance. Last evaluated: 2024-10-26. Review status: criteria provided, single submitter. Criteria: Invitae Variant Classification Sherloc (09022015). Collection method: clinical testing. Allele origin: germline.
Comment: This sequence change replaces proline, which is neutral and non-polar, with arginine, which is basic and polar, at codon 31 of the SMARCD2 protein (p.Pro31Arg). This variant is not present in population databases (gnomAD no frequency). This variant has not been reported in the literature in individuals affected with SMARCD2-related conditions. ClinVar contains an entry for this variant (Variation ID: 1917831). Experimental studies and prediction algorithms are not available or were not evaluated, and the functional significance of this variant is currently unknown. In summary, the available evidence is currently insufficient to determine the role of this variant in disease. Therefore, it has been classified as a Variant of Uncertain Significance.

Ambry Genetics
Classification: Uncertain significance for Inborn genetic diseases. Last evaluated: 2022-10-25. Review status: criteria provided, single submitter. Criteria: Ambry Variant Classification Scheme 2023. Collection method: clinical testing. Allele origin: germline.

NM_001098426.2(SMARCD2):c.92C>G (p.Pro31Arg)

Genes: SMARCD2 (SWI/SNF related BAF chromatin remodeling complex subunit D2; minus strand), LOC130061409 (ATAC-STARR-seq lymphoblastoid silent region 8832; plus strand). Cytogenetic location: 17q23.3.
Variant type: single nucleotide variant.
Coding change: c.92C>G on transcript NM_001098426.2 (MANE Select); coding-DNA position 92, C replaced by G.
Protein change: p.Pro31Arg; replaces proline 31 with arginine.
Molecular consequence: missense variant.
Genome position (GRCh38, 1-based): chr17:63,842,583, G>C on the plus strand (C>G on the coding strand, the complement: SMARCD2 is on the minus strand). VCF-style: chr17-63842583-G-C. GRCh37 (hg19) VCF-style: chr17-61919943-G-C.
Other names: short protein forms P31R.
Identifiers: ClinVar variation 1917831 (VCV001917831.6), dbSNP rs1422051848, ClinGen allele CA400602241.